The following is an entry in ClinVar:

NM_032383.5(HPS3):c.1769G>A (p.Arg590His)

Gene: HPS3 (HPS3 biogenesis of lysosomal organelles complex 2 subunit 1; plus strand). Cytogenetic location: 3q24.
Variant type: single nucleotide variant.
Coding change: c.1769G>A on transcript NM_032383.5 (MANE Select); coding-DNA position 1769, G replaced by A.
Protein change: p.Arg590His; replaces arginine 590 with histidine.
Molecular consequence: missense variant.
Genome position (GRCh38, 1-based): chr3:149,158,743, G>A. VCF-style: chr3-149158743-G-A. GRCh37 (hg19) VCF-style: chr3-148876530-G-A.
Other names: c.1274G>A, p.Arg425His (NM_001308258.2); c.1769G>A (NM_032383.3); short protein forms R425H, R590H.
Identifiers: ClinVar variation 789468 (VCV000789468.14), dbSNP rs145158238, ClinGen allele CA2660173.

ClinVar aggregate classification (germline): Conflicting classifications of pathogenicity. Review status: criteria provided, conflicting classifications (1 of 4 stars). 4 submissions from 4 submitters: Uncertain significance (2); Likely benign (1). 1 of the submissions does not count toward it. Last evaluated 2026-04-20.

Conditions:
Inborn genetic diseases. Identifiers: MedGen C0950123, MeSH D030342.
Hermansky-Pudlak syndrome (HPS). Also called: ALBINISM WITH HEMORRHAGIC DIATHESIS AND PIGMENTED RETICULOENDOTHELIAL CELLS. Identifiers: Orphanet 79430, MedGen C0079504, MONDO:0019312.

Allele frequency attached by ClinVar (database versions not stated): ExAC 0.00008; ESP Exome Variant Server 0.00008; gnomAD exomes 0.00010; gnomAD 0.00013 and 0.00017; TOPMed 0.00022.

Submissions (4):

Women's Health and Genetics/Laboratory Corporation of America, LabCorp
Classification: Uncertain significance. Last evaluated: 2026-04-20. Review status: criteria provided, single submitter. Criteria: LabCorp Variant Classification Summary - May 2015. Collection method: clinical testing. Allele origin: germline.
Comment: Variant summary: HPS3 c.1769G>A (p.Arg590His) results in a non-conservative amino acid change in the encoded protein sequence. Algorithms developed to predict the effect of missense changes on protein structure and function are either unavailable or do not agree on the potential impact of this missense change. The variant allele was found at a frequency of 0.0001 in 251024 control chromosomes in the gnomAD database, including 1 homozygote. This frequency is not significantly higher than estimated for disease-causing variants in HPS3, allowing no conclusion about variant significance. To our knowledge, no occurrence of c.1769G>A in individuals affected with HPS3-related conditions and no experimental evidence demonstrating its impact on protein function have been reported. ClinVar contains an entry for this variant (Variation ID: 789468). Based on the evidence outlined above, the variant was classified as uncertain significance.

Labcorp Genetics (formerly Invitae), Labcorp
Classification: Likely benign. Last evaluated: 2026-02-02. Review status: criteria provided, single submitter. Criteria: Invitae Variant Classification Sherloc (09022015). Collection method: clinical testing. Allele origin: germline.

Ambry Genetics
Classification: Uncertain significance for Inborn genetic diseases. Last evaluated: 2025-04-03. Review status: criteria provided, single submitter. Criteria: Ambry Variant Classification Scheme 2023. Collection method: clinical testing. Allele origin: germline.

Natera, Inc.
Classification: Likely benign for Hermansky-Pudlak syndrome. Last evaluated: 2020-05-02. Review status: no assertion criteria provided. Collection method: clinical testing. Allele origin: germline. Not counted in ClinVar's aggregate classification.